The following is an entry in ClinVar:

NM_000278.5(PAX2):c.1108+15_1108+23del

Gene: PAX2 (paired box 2; plus strand). Cytogenetic location: 10q24.31.
Variant type: Deletion.
Coding change: c.1108+15_1108+23del on transcript NM_000278.5 (MANE Select); bases 15 to 23 of the intron after coding-DNA position 1108, 9 bases deleted (TGGCTGGCC; older notation c.1108+15_1108+23delTGGCTGGCC).
Molecular consequence: intron variant.
Genome position (GRCh38, 1-based): chr10:100,827,110-100,827,118, TGGCTGGCC deleted; deleting any 9 consecutive bases within chr10:100,827,108-100,827,118 gives the same sequence; the c. name uses the placement nearest the transcript's 3' end. VCF-style (leftmost placement, unchanged base first): chr10-100827107-ACCTGGCTGG-A. GRCh37 (hg19) VCF-style: chr10-102586864-ACCTGGCTGG-A.
Other names: c.1177+15_1177+23del (NM_003987.5, NM_003990.5); c.*1191+15_*1191+23del (NM_003988.5); c.1108+15_1108+23del (NM_003989.5); c.1201+15_1201+23del (NM_001304569.2); c.1177+15_1177+23delTGGCTGGCC (NM_003987.5).
Identifiers: ClinVar variation 4853548 (VCV004853548.1).

ClinVar aggregate classification (germline): Likely benign (1 of 4 stars; one submission).

Submission:

Women's Health and Genetics/Laboratory Corporation of America, LabCorp
Classification: Likely benign. Last evaluated: 2026-05-05. Review status: criteria provided, single submitter. Criteria: LabCorp Variant Classification Summary - May 2015. Collection method: clinical testing. Allele origin: germline.
Comment: Variant summary: PAX2 c.1177+15_1177+23delTGGCTGGCC alters a conserved nucleotide located at a position not widely known to affect splicing. Consensus agreement among computation tools predict no significant impact on normal splicing. However, these predictions have yet to be confirmed by functional studies. The variant was absent in 246752 control chromosomes. The available data on variant occurrences in the general population are insufficient to allow any conclusion about variant significance. To our knowledge, no occurrence of c.1177+15_1177+23delTGGCTGGCC in individuals affected with PAX2-related conditions and no experimental evidence demonstrating its impact on protein function have been reported. No submitters have cited clinical-significance assessments for this variant to ClinVar. Based on the evidence outlined above, the variant was classified as likely benign.